The following is an entry in ClinVar:

NM_004085.4(TIMM8A):c.-8G>T

Genes: TIMM8A (translocase of inner mitochondrial membrane 8A; minus strand), LOC130068494 (ATAC-STARR-seq lymphoblastoid active region 29808; plus strand). Cytogenetic location: Xq22.1.
Variant type: single nucleotide variant.
Coding change: c.-8G>T on transcript NM_004085.4 (MANE Select); 8 bases upstream of the start codon, G replaced by T.
Molecular consequence: 5 prime UTR variant.
Genome position (GRCh38, 1-based): chrX:101,348,672, C>A on the plus strand (G>T on the coding strand, the complement: TIMM8A is on the minus strand). VCF-style: chrX-101348672-C-A. GRCh37 (hg19) VCF-style: chrX-100603660-C-A.
Other names: c.-8G>T (NM_001145951.2).
Identifiers: ClinVar variation 505119 (VCV000505119.6), dbSNP rs782142925, ClinGen allele CA10472933.

ClinVar aggregate classification (germline): Conflicting classifications of pathogenicity. Review status: criteria provided, conflicting classifications (1 of 4 stars). 2 submissions from 2 submitters: Uncertain significance (1); Likely benign (1). Last evaluated 2024-06-14.

Allele frequency attached by ClinVar (database versions not stated): gnomAD 0.00002 and 0.00003; ExAC 0.00003; TOPMed 0.00003; gnomAD exomes 0.00005.
gnomAD v4.1: 98 of 1,208,899 alleles (0.0081%); highest among the groups gnomAD compares: East Asian, 0.018%; no homozygotes.

Submissions (2):

Blueprint Genetics
Classification: Likely benign. Last evaluated: 2024-06-14. Review status: criteria provided, single submitter. Criteria: ACMG Guidelines, 2015. Collection method: clinical testing. Allele origin: germline.

Laboratory for Molecular Medicine, Mass General Brigham Personalized Medicine
Classification: Uncertain significance. Last evaluated: 2016-06-23. Review status: criteria provided, single submitter. Criteria: LMM Criteria. Collection method: clinical testing. Allele origin: germline. Observed: 1 variant allele.
Comment: The c.-8G>T variant in TIMM8A has not been previously reported in individuals wi th hearing loss. This variant has been identified 2/6629 East Asian chromosomes by the Exome Aggregation Consortium (ExAC; dbSN P rs782142925). This variant occurs in the 5' UTR and its impact is unclear. In summary, the clinical significance of the c.-8G>T variant is uncertain.